The following is an entry in ClinVar:

NM_001367823.1(ARHGEF18):c.968-72G>A

Gene: ARHGEF18 (Rho/Rac guanine nucleotide exchange factor 18; plus strand). Cytogenetic location: 19p13.2.
Variant type: single nucleotide variant.
Coding change: c.968-72G>A on transcript NM_001367823.1 (MANE Select); 72 bases into the intron before coding-DNA position 968, G replaced by A.
Molecular consequence: intron variant. On other transcripts: missense variant (1), 5 prime UTR variant (1).
Genome position (GRCh38, 1-based): chr19:7,440,272, G>A. VCF-style: chr19-7440272-G-A. GRCh37 (hg19) VCF-style: chr19-7505158-G-A.
Other names: c.170G>A, p.Gly57Asp (NM_001130955.2); c.-143G>A (NM_001367824.1); c.-71-72G>A (NM_015318.4); short protein forms G57D.
Identifiers: ClinVar variation 1907504 (VCV001907504.2), dbSNP rs545780094, ClinGen allele CA403094975.

ClinVar aggregate classification (germline): Uncertain significance (1 of 4 stars; one submission).

gnomAD v4.1: 19 of 1,561,528 alleles (0.0012%); highest among the groups gnomAD compares: African/African-American, 0.0027%; no homozygotes.

Submission:

Labcorp Genetics (formerly Invitae), Labcorp
Classification: Uncertain significance. Last evaluated: 2022-10-25. Review status: criteria provided, single submitter. Criteria: Invitae Variant Classification Sherloc (09022015). Collection method: clinical testing. Allele origin: germline.
Comment: This sequence change replaces glycine, which is neutral and non-polar, with aspartic acid, which is acidic and polar, at codon 111 of the ARHGEF18 protein (p.Gly111Asp). This variant is not present in population databases (gnomAD no frequency). This variant has not been reported in the literature in individuals affected with ARHGEF18-related conditions. Algorithms developed to predict the effect of missense changes on protein structure and function output the following: SIFT: "Tolerated"; PolyPhen-2: "Benign"; Align-GVGD: "Class C0". The aspartic acid amino acid residue is found in multiple mammalian species, which suggests that this missense change does not adversely affect protein function. In summary, the available evidence is currently insufficient to determine the role of this variant in disease. Therefore, it has been classified as a Variant of Uncertain Significance.